The following is an entry in ClinVar:

ClinVar aggregate classification (germline): Pathogenic (1 of 4 stars; one submission).

Submission:

Labcorp Genetics (formerly Invitae), Labcorp
Classification: Pathogenic. Last evaluated: 2022-08-24. Review status: criteria provided, single submitter. Criteria: Invitae Variant Classification Sherloc (09022015). Collection method: clinical testing. Allele origin: germline.
Comment: For these reasons, this variant has been classified as Pathogenic. This variant has not been reported in the literature in individuals affected with RAI1-related conditions. This variant is not present in population databases (gnomAD no frequency). This sequence change creates a premature translational stop signal (p.Phe744Leufs*75) in the RAI1 gene. It is expected to result in an absent or disrupted protein product. Loss-of-function variants in RAI1 are known to be pathogenic (PMID: 21857958, 24715852).

Literature cited by the submitters: PubMed 21857958; PubMed 24715852.

NM_030665.4(RAI1):c.2229del (p.Phe744fs)

Gene: RAI1 (retinoic acid induced 1; plus strand). Cytogenetic location: 17p11.2.
Variant type: Deletion.
Coding change: c.2229del on transcript NM_030665.4 (MANE Select); coding-DNA position 2229, one base deleted (C; older notation c.2229delC).
Protein change: p.Phe744fs; shifts the reading frame from phenylalanine 744.
Molecular consequence: frameshift variant.
Genome position (GRCh38, 1-based): chr17:17,795,177, C deleted; the last of 4 consecutive C bases (chr17:17,795,174-17,795,177); deleting any one gives the same sequence. VCF-style (leftmost placement, unchanged base first): chr17-17795173-AC-A. GRCh37 (hg19) VCF-style: chr17-17698487-AC-A.
Other names: short protein forms F744fs.
Identifiers: ClinVar variation 2026770 (VCV002026770.4), dbSNP rs2508580281, ClinGen allele CA2580092741.